The following is an entry in ClinVar:

ClinVar aggregate classification (germline): Uncertain significance. Review status: criteria provided, multiple submitters, no conflicts (2 of 4 stars). 2 submissions from 2 submitters: Uncertain significance (2). Last evaluated 2026-08-06.

Conditions:
XK-related neurodegenerative disease. Also called: NEUROACANTHOCYTOSIS, MCLEOD TYPE; MCLEOD PHENOTYPE; MCLEOD SYNDROME; McLeod neuroacanthocytosis syndrome; X-linked McLeod syndrome. Identifiers: Orphanet 59306, MedGen C0398568, MONDO:0018945, OMIM 300842. Disease mechanism: loss of function.

gnomAD v4.1: 1 of 1,210,506 alleles (0.000083%); no homozygotes.

Submissions (2):

OLLIN Analises Genomicas, OLLIN
Classification: Uncertain significance for XK-related neurodegenerative disease. Last evaluated: 2026-08-06. Review status: criteria provided, single submitter. Criteria: ACMG Guidelines 2015 PMID 25741868. Collection method: clinical testing. Allele origin: germline.
Comment: This nonsense variant, located in exon 3 (of 3), has been reported in ClinVar (accession VCV002870079.3) and in gnomAD with an allele frequency of 0.000083%. However, to our knowledge, it has not been reported in the scientific literature. This variant introduces a premature stop codon, which is predicted to result in either a truncated protein or degradation of the mRNA via nonsense-mediated decay (NMD). According to the currently available evidence, this variant has been classified as uncertain significance (PVS1_S, PM2_P).

Labcorp Genetics (formerly Invitae), Labcorp
Classification: Uncertain significance. Last evaluated: 2023-10-17. Review status: criteria provided, single submitter. Criteria: Invitae Variant Classification Sherloc (09022015). Collection method: clinical testing. Allele origin: germline.
Comment: This sequence change creates a premature translational stop signal (p.Trp397*) in the XK gene. While this is not anticipated to result in nonsense mediated decay, it is expected to disrupt the last 48 amino acid(s) of the XK protein. This variant is not present in population databases (gnomAD no frequency). This variant has not been reported in the literature in individuals affected with XK-related conditions. In summary, the available evidence is currently insufficient to determine the role of this variant in disease. Therefore, it has been classified as a Variant of Uncertain Significance.

NM_021083.4(XK):c.1190G>A (p.Trp397Ter)

Gene: XK (X-linked Kx blood group antigen, Kell and VPS13A binding protein; plus strand). Cytogenetic location: Xp21.1.
Variant type: single nucleotide variant.
Coding change: c.1190G>A on transcript NM_021083.4 (MANE Select); coding-DNA position 1190, G replaced by A.
Protein change: p.Trp397Ter; replaces tryptophan 397 with a stop codon.
Molecular consequence: nonsense.
Genome position (GRCh38, 1-based): chrX:37,728,317, G>A. VCF-style: chrX-37728317-G-A. GRCh37 (hg19) VCF-style: chrX-37587570-G-A.
Other names: short protein forms W397*.
Identifiers: ClinVar variation 2870079 (VCV002870079.4), dbSNP rs2519163990, ClinGen allele CA412975710.